The following is an entry in ClinVar:

ClinVar aggregate classification (germline): Uncertain significance (1 of 4 stars; one submission).

Conditions:
Hereditary cancer-predisposing syndrome. Also called: Neoplastic Syndromes, Hereditary; Tumor predisposition; Hereditary Cancer Syndrome; Hereditary neoplastic syndrome. Identifiers: Orphanet 140162, MedGen C0027672, MeSH D009386, MONDO:0015356.

Submission:

Ambry Genetics
Classification: Uncertain significance for Hereditary cancer-predisposing syndrome. Last evaluated: 2024-12-08. Review status: criteria provided, single submitter. Criteria: Ambry Variant Classification Scheme 2023. Collection method: clinical testing. Allele origin: germline.
Comment: The p.H186L variant (also known as c.557A>T), located in coding exon 3 of the RET gene, results from an A to T substitution at nucleotide position 557. The histidine at codon 186 is replaced by leucine, an amino acid with similar properties. This amino acid position is conserved. In addition, this alteration is predicted to be tolerated by in silico analysis. Based on the available evidence, the clinical significance of this variant remains unclear.

NM_020975.6(RET):c.557A>T (p.His186Leu)

Gene: RET (ret proto-oncogene; plus strand). Cytogenetic location: 10q11.21.
Variant type: single nucleotide variant.
Coding change: c.557A>T on transcript NM_020975.6 (MANE Select); coding-DNA position 557, A replaced by T.
Protein change: p.His186Leu; replaces histidine 186 with leucine.
Molecular consequence: missense variant. On other transcripts: intron variant (15).
Genome position (GRCh38, 1-based): chr10:43,102,561, A>T. VCF-style: chr10-43102561-A-T. GRCh37 (hg19) VCF-style: chr10-43598009-A-T.
Other names: c.557A>T, p.His186Leu (NM_001406743.1, NM_001406744.1, NM_001406759.1 and 14 more transcripts); c.428A>T, p.His143Leu (NM_001406761.1, NM_001406762.1, NM_001406764.1 and 4 more transcripts); c.337+1839A>T (NM_001406770.1, NM_001406766.1, NM_001406767.1 and 8 more transcripts); c.74-6470A>T (NM_001406784.1); c.74-9538A>T (NM_001406794.1, NM_001406792.1, NM_001406793.1); short protein forms H143L, H186L.
Identifiers: ClinVar variation 3432306 (VCV003432306.1).